The following is an entry in ClinVar:

ClinVar aggregate classification (germline): Likely pathogenic (1 of 4 stars; one submission).

Conditions:
ACTL6B-related neurodevelopmental disorder.

Submission:

Medical Genetics Clinic, Mersin Women and Children Hospital
Classification: Likely pathogenic for ACTL6B-related neurodevelopmental disorder. Last evaluated: 2018-12-31. Review status: criteria provided, single submitter. Criteria: ACMG Guidelines, 2015. Collection method: clinical testing. Allele origin: germline. Inheritance: Autosomal recessive inheritance. Affected: yes. Observed: 3 variant alleles, 3 homozygotes. Clinical features observed: Neurodevelopmental delay (HP:0012758), Failure to thrive (HP:0001508), Global developmental delay (HP:0001263), breath holding spells, Seizure (HP:0001250), Muscle weakness (HP:0001324), Impaired smooth pursuit (HP:0007772), Reduced eye contact (HP:0000817), Frontal bossing (HP:0002007), Midfrontal capillary hemangioma (HP:0007466), Deeply set eye (HP:0000490), Bilateral ptosis (HP:0001488), and 20 more.
Comment: The c.1261_1275del variant is found in two related consanguineous families with at least three affected individuals.

Literature cited by the submitters: PubMed 31134736.

NM_016188.5(ACTL6B):c.1261_1275del (p.Val421_Cys425del)

Gene: ACTL6B (actin like 6B; minus strand). Cytogenetic location: 7q22.1.
Variant type: Deletion.
Coding change: c.1261_1275del on transcript NM_016188.5 (MANE Select); coding-DNA positions 1261 to 1275, 15 bases deleted (GTGGAGCGAAAGTGC).
Protein change: p.Val421_Cys425del.
Molecular consequence: inframe deletion. On other transcripts: non-coding transcript variant (1).
Genome position (GRCh38, 1-based): chr7:100,643,252-100,643,266, GCACTTTCGCTCCAC deleted on the plus strand (GTGGAGCGAAAGTGC on the coding strand, the reverse complement: ACTL6B is on the minus strand); deleting any 15 consecutive bases within chr7:100,643,252-100,643,271 gives the same sequence; the c. name uses the placement nearest the transcript's 3' end. VCF-style (leftmost placement, unchanged base first): chr7-100643251-GGCACTTTCGCTCCAC-G. GRCh37 (hg19) VCF-style: chr7-100240874-GGCACTTTCGCTCCAC-G.
Identifiers: ClinVar variation 599301 (VCV000599301.3), dbSNP rs1562846694, ClinGen allele CA913190005.
Genomic context (GRCh38, chr7:100,643,251, plus strand): 5'-GGGGTTAAGGGACTTCCATCTGAGCTTGGGAGCAGGTGTGTGGGGAGGAGTGCCATCAGG[GGCACTTTCGCTCCAC>G]GCACTGCTTCCCGCCCTCCTCATATTCCTGCTTGGAGATCCACATCTGCTGGAAAGTGCC-3'